The following is an entry in ClinVar:

ClinVar aggregate classification (germline): Conflicting classifications of pathogenicity. Review status: criteria provided, conflicting classifications (1 of 4 stars). 2 submissions from 2 submitters: Uncertain significance (1); Likely benign (1). Last evaluated 2023-03-23.

Conditions:
Hereditary cancer-predisposing syndrome. Also called: Tumor predisposition; Hereditary neoplastic syndrome; Hereditary Cancer Syndrome; Neoplastic Syndromes, Hereditary. Identifiers: Orphanet 140162, MedGen C0027672, MeSH D009386, MONDO:0015356.
Hereditary breast ovarian cancer syndrome. Also called: Hereditary breast and ovarian cancer; Breast and ovarian cancer; BRCA1- and BRCA2-Associated Hereditary Breast and Ovarian Cancer; Hereditary breast and/or ovarian cancer syndrome; Hereditary breast and ovarian cancer syndrome; Hereditary breast and ovarian cancer syndrome (HBOC). Identifiers: Orphanet 145, MedGen C0677776, MeSH D061325, MONDO:0003582. Disease mechanism: loss of function.

Submissions (2):

University of Washington Department of Laboratory Medicine, University of Washington
Classification: Likely benign for Hereditary cancer-predisposing syndrome. Last evaluated: 2023-03-23. Review status: criteria provided, single submitter. Criteria: Dines et al. (Genet Med. 2020). Collection method: curation. Allele origin: germline.
Comment: Missense variant in a coldspot region where missense variants are very unlikely to be pathogenic (PMID:31911673).

BRCA2 exon 11 coldspot. Reclassification based on statistical prior probability.

Labcorp Genetics (formerly Invitae), Labcorp
Classification: Uncertain significance for Hereditary breast ovarian cancer syndrome. Last evaluated: 2021-01-31. Review status: criteria provided, single submitter. Criteria: Invitae Variant Classification Sherloc (09022015). Collection method: clinical testing. Allele origin: germline.
Comment: In summary, the available evidence is currently insufficient to determine the role of this variant in disease. Therefore, it has been classified as a Variant of Uncertain Significance. Advanced modeling of protein sequence and biophysical properties (such as structural, functional, and spatial information, amino acid conservation, physicochemical variation, residue mobility, and thermodynamic stability) performed at Invitae indicates that this missense variant is not expected to disrupt BRCA2 protein function. This variant has not been reported in the literature in individuals with BRCA2-related conditions. This variant is not present in population databases (ExAC no frequency). This sequence change replaces lysine with threonine at codon 2162 of the BRCA2 protein (p.Lys2162Thr). The lysine residue is weakly conserved and there is a moderate physicochemical difference between lysine and threonine.

NM_000059.4(BRCA2):c.6485A>C (p.Lys2162Thr)

Gene: BRCA2 (BRCA2 DNA repair associated; plus strand). Cytogenetic location: 13q13.1.
Variant type: single nucleotide variant.
Coding change: c.6485A>C on transcript NM_000059.4 (MANE Select); coding-DNA position 6485, A replaced by C.
Protein change: p.Lys2162Thr; replaces lysine 2162 with threonine.
Molecular consequence: missense variant.
Genome position (GRCh38, 1-based): chr13:32,340,840, A>C. VCF-style: chr13-32340840-A-C. GRCh37 (hg19) VCF-style: chr13-32914977-A-C.
Other names: short protein forms K2162T.
Identifiers: ClinVar variation 1461926 (VCV001461926.9), dbSNP rs11571660, ClinGen allele CA387789465.